The following is an entry in ClinVar:

ClinVar aggregate classification (germline): Uncertain significance. Review status: criteria provided, multiple submitters, no conflicts (2 of 4 stars). 4 submissions from 4 submitters: Uncertain significance (4). Last evaluated 2025-09-04.

Conditions:
Catecholaminergic polymorphic ventricular tachycardia (CVPT). Also called: Catecholamine-induced polymorphic ventricular tachycardia. Identifiers: Orphanet 3286, MedGen C5574922, MONDO:0017990.
Catecholaminergic polymorphic ventricular tachycardia 1. Also called: VENTRICULAR TACHYCARDIA, CATECHOLAMINERGIC POLYMORPHIC, 1, WITH OR WITHOUT ATRIAL DYSFUNCTION AND/OR DILATED CARDIOMYOPATHY; RYR2-Related Catecholaminergic Polymorphic Ventricular Tachycardia; VENTRICULAR TACHYCARDIA, STRESS-INDUCED POLYMORPHIC 1. Identifiers: Orphanet 3286, MedGen C1631597, MONDO:0011484, OMIM 604772.
Cardiomyopathy (CMYO). Also called: Cardiomyopathies. Identifiers: Orphanet 167848, MedGen C0878544, MONDO:0004994, HP:0001638. Inheritance: Various modes of inheritance.

Allele frequency attached by ClinVar (database versions not stated): gnomAD exomes below 0.00001; TOPMed below 0.00001.
gnomAD v4.1: 2 of 1,606,148 alleles (0.00012%); highest among the groups gnomAD compares: Non-Finnish European, 0.00017%; no homozygotes.

Submissions (4):

Color Diagnostics, LLC DBA Color Health
Classification: Uncertain significance for Cardiomyopathy. Last evaluated: 2025-09-04. Review status: criteria provided, single submitter. Criteria: ACMG Guidelines, 2015. Collection method: clinical testing. Allele origin: germline.
Comment: This missense variant replaces cysteine with arginine at codon 4592 of the RYR2 protein. Computational prediction suggests that this variant may have deleterious impact on protein structure and function. To our knowledge, functional studies have not been reported for this variant. This variant has not been reported in individuals affected with RYR2-related disorders in the literature. This variant has not been identified in the general population by the Genome Aggregation Database (gnomAD). The available evidence is insufficient to determine the role of this variant in disease conclusively. Therefore, this variant is classified as a Variant of Uncertain Significance.

GeneDx
Classification: Uncertain significance. Last evaluated: 2025-01-24. Review status: criteria provided, single submitter. Criteria: GeneDx Variant Classification Process June 2021. Collection method: clinical testing. Allele origin: germline. Affected: yes.
Comment: Not observed at significant frequency in large population cohorts (gnomAD); In silico analysis supports that this missense variant has a deleterious effect on protein structure/function; Has not been previously published as pathogenic or benign to our knowledge; Located in one of the three hot-spot regions of the RYR2 gene, where the majority of pathogenic missense variants occur (PMID: 19926015); This variant is associated with the following publications: (PMID: 19926015)

All of Us Research Program, National Institutes of Health
Classification: Uncertain significance for Catecholaminergic polymorphic ventricular tachycardia. Last evaluated: 2023-12-01. Review status: criteria provided, single submitter. Criteria: ACMG Guidelines, 2015. Collection method: clinical testing. Allele origin: germline. Inheritance: Autosomal dominant inheritance. Observed: 4 variant alleles, 4 heterozygotes.
Comment: This missense variant replaces cysteine with arginine at codon 4592 of the RYR2 protein. Computational prediction tools and conservation analyses are inconclusive regarding the impact of this variant on the protein function. Computational splicing tools suggest that this variant may not impact RNA splicing. To our knowledge, functional assays have not been performed for this variant nor has this variant been reported in individuals affected with cardiovascular disorders in the literature. This variant has not been identified in the general population by the Genome Aggregation Database (gnomAD). Available evidence is insufficient to determine the role of this variant in disease conclusively. Therefore, this variant is classified as a Variant of Uncertain Significance.

This study involves interpretation of variants in research participants for the purpose of population health screening. Participant phenotype was not available at the time of variant classification. Additional details can be found in publication PMID: 35346344, PMCID: PMC8962531

Labcorp Genetics (formerly Invitae), Labcorp
Classification: Uncertain significance for Catecholaminergic polymorphic ventricular tachycardia 1. Last evaluated: 2023-07-28. Review status: criteria provided, single submitter. Criteria: Invitae Variant Classification Sherloc (09022015). Collection method: clinical testing. Allele origin: germline.
Comment: In summary, the available evidence is currently insufficient to determine the role of this variant in disease. Therefore, it has been classified as a Variant of Uncertain Significance. This sequence change replaces cysteine, which is neutral and slightly polar, with arginine, which is basic and polar, at codon 4592 of the RYR2 protein (p.Cys4592Arg). Advanced modeling of protein sequence and biophysical properties (such as structural, functional, and spatial information, amino acid conservation, physicochemical variation, residue mobility, and thermodynamic stability) performed at Invitae indicates that this missense variant is expected to disrupt RYR2 protein function. ClinVar contains an entry for this variant (Variation ID: 924517). This variant has not been reported in the literature in individuals affected with RYR2-related conditions. This variant is not present in population databases (gnomAD no frequency).

NM_001035.3(RYR2):c.13774T>C (p.Cys4592Arg)

Gene: RYR2 (ryanodine receptor 2; plus strand). Cytogenetic location: 1q43.
Variant type: single nucleotide variant.
Coding change: c.13774T>C on transcript NM_001035.3 (MANE Select); coding-DNA position 13774, T replaced by C.
Protein change: p.Cys4592Arg; replaces cysteine 4592 with arginine.
Molecular consequence: missense variant.
Genome position (GRCh38, 1-based): chr1:237,792,315, T>C. VCF-style: chr1-237792315-T-C. GRCh37 (hg19) VCF-style: chr1-237955615-T-C.
Other names: c.13774T>C (NM_001035.2); short protein forms C4592R.
Identifiers: ClinVar variation 924517 (VCV000924517.11), dbSNP rs1193389004, ClinGen allele CA345417713.